The following is an entry in ClinVar:

NC_000012.12:g.123743783AG[4]

Gene: ATP6V0A2 (ATPase H+ transporting V0 subunit a2; plus strand). Cytogenetic location: 12q24.31.
Variant type: Microsatellite.
Genome position: GRCh38 VCF-style: chr12-123743782-AAG-A. GRCh37 (hg19) VCF-style: chr12-124228329-AAG-A.
Identifiers: ClinVar variation 4804770 (VCV004804770.1).

ClinVar aggregate classification (germline): Pathogenic (1 of 4 stars; one submission).

Conditions:
ALG9 congenital disorder of glycosylation (CDG1L). Also called: CDG Il; ALG9-CDG; CONGENITAL DISORDER OF GLYCOSYLATION, TYPE Il. Identifiers: Orphanet 79328, MedGen C2931006, MONDO:0012117, OMIM 608776.

Submission:

Labcorp Genetics (formerly Invitae), Labcorp
Classification: Pathogenic for ALG9 congenital disorder of glycosylation. Last evaluated: 2025-08-30. Review status: criteria provided, single submitter. Criteria: Invitae Variant Classification Sherloc (09022015). Collection method: clinical testing. Allele origin: germline.
Comment: This sequence change creates a premature translational stop signal (p.Ser349Trpfs*83) in the ATP6V0A2 gene. It is expected to result in an absent or disrupted protein product. Loss-of-function variants in ATP6V0A2 are known to be pathogenic (PMID: 18157129, 19321599). This variant is present in population databases (no rsID available, gnomAD 0.0009%). This variant has not been reported in the literature in individuals affected with ATP6V0A2-related conditions. Algorithms developed to predict the effect of sequence changes on RNA splicing suggest that this variant may disrupt the consensus splice site. For these reasons, this variant has been classified as Pathogenic.

Literature cited by the submitters: PubMed 18157129; PubMed 19321599.